The following is an entry in ClinVar:

ClinVar aggregate classification (germline): Uncertain significance (1 of 4 stars; one submission).

Conditions:
Osteogenesis imperfecta type 7 (OI7). Also called: OSTEOGENESIS IMPERFECTA, TYPE IIB; Osteogenesis imperfecta type 2B; OI type 2B; Osteogenesis imperfecta, perinatal lethal autosomal recessive; OI type IIB; OI type 7. Identifiers: MedGen C1853162, MONDO:0012536, OMIM 610682.

Allele frequency attached by ClinVar (database versions not stated): gnomAD exomes below 0.00001; gnomAD 0.00001; TOPMed 0.00001.
gnomAD v4.1: 3 of 1,586,154 alleles (0.00019%); highest among the groups gnomAD compares: Non-Finnish European, 0.00026%; no homozygotes.

Submission:

Labcorp Genetics (formerly Invitae), Labcorp
Classification: Uncertain significance for Osteogenesis imperfecta type 7. Last evaluated: 2021-08-28. Review status: criteria provided, single submitter. Criteria: Invitae Variant Classification Sherloc (09022015). Collection method: clinical testing. Allele origin: germline.
Comment: This sequence change replaces proline with glutamine at codon 127 of the CRTAP protein (p.Pro127Gln). The proline residue is highly conserved and there is a moderate physicochemical difference between proline and glutamine. This variant is not present in population databases (ExAC no frequency). This variant has not been reported in the literature in individuals affected with CRTAP-related conditions. Algorithms developed to predict the effect of missense changes on protein structure and function are either unavailable or do not agree on the potential impact of this missense change (SIFT: "Tolerated"; PolyPhen-2: "Possibly Damaging"; Align-GVGD: "Class C0"). In summary, the available evidence is currently insufficient to determine the role of this variant in disease. Therefore, it has been classified as a Variant of Uncertain Significance.

NM_006371.5(CRTAP):c.380C>A (p.Pro127Gln)

Gene: CRTAP (cartilage associated protein; plus strand). Cytogenetic location: 3p22.3.
Variant type: single nucleotide variant.
Coding change: c.380C>A on transcript NM_006371.5 (MANE Select); coding-DNA position 380, C replaced by A.
Protein change: p.Pro127Gln; replaces proline 127 with glutamine.
Molecular consequence: missense variant.
Genome position (GRCh38, 1-based): chr3:33,114,457, C>A. VCF-style: chr3-33114457-C-A. GRCh37 (hg19) VCF-style: chr3-33155949-C-A.
Other names: c.380C>A, p.Pro127Gln (NM_001393363.1, NM_001393364.1, NM_001393365.1); short protein forms P127Q.
Identifiers: ClinVar variation 640162 (VCV000640162.3), dbSNP rs921862940, ClinGen allele CA72699679.